The following is an entry in ClinVar:

NM_004260.4(RECQL4):c.1130A>G (p.Gln377Arg)

Gene: RECQL4 (RecQ like helicase 4; minus strand). Cytogenetic location: 8q24.3.
Variant type: single nucleotide variant.
Coding change: c.1130A>G on transcript NM_004260.4 (MANE Select); coding-DNA position 1130, A replaced by G.
Protein change: p.Gln377Arg; replaces glutamine 377 with arginine.
Molecular consequence: missense variant.
Genome position (GRCh38, 1-based): chr8:144,515,989, T>C on the plus strand (A>G on the coding strand, the complement: RECQL4 is on the minus strand). VCF-style: chr8-144515989-T-C. GRCh37 (hg19) VCF-style: chr8-145741373-T-C.
Other names: short protein forms Q377R.
Identifiers: ClinVar variation 1327074 (VCV001327074.12), dbSNP rs944826681, ClinGen allele CA372687926.

ClinVar aggregate classification (germline): Uncertain significance. Review status: criteria provided, multiple submitters, no conflicts (2 of 4 stars). 5 submissions from 5 submitters: Uncertain significance (5). Last evaluated 2025-02-24.

Conditions:
Inborn genetic diseases. Identifiers: MedGen C0950123, MeSH D030342.
Baller-Gerold syndrome (BGS). Also called: CRANIOSYNOSTOSIS WITH RADIAL DEFECTS. Identifiers: Orphanet 1225, MedGen C0265308, MONDO:0009039, OMIM 218600.
Rothmund-Thomson syndrome type 2 (RTS2). Identifiers: Orphanet 221016, MedGen C5203410, MONDO:0016369, OMIM 268400.

gnomAD v4.1: 1 of 1,609,634 alleles (0.000062%); highest among the groups gnomAD compares: East Asian, 0.0022%; no homozygotes.

Submissions (5):

Ambry Genetics
Classification: Uncertain significance for Inborn genetic diseases. Last evaluated: 2025-02-24. Review status: criteria provided, single submitter. Criteria: Ambry Variant Classification Scheme 2023. Collection method: clinical testing. Allele origin: germline.
Comment: The p.Q377R variant (also known as c.1130A>G), located in coding exon 5 of the RECQL4 gene, results from an A to G substitution at nucleotide position 1130. The glutamine at codon 377 is replaced by arginine, an amino acid with highly similar properties. This amino acid position is conserved. In addition, the in silico prediction for this alteration is inconclusive. Based on the available evidence, the clinical significance of this variant remains unclear.

Labcorp Genetics (formerly Invitae), Labcorp
Classification: Uncertain significance for Baller-Gerold syndrome. Last evaluated: 2025-01-23. Review status: criteria provided, single submitter. Criteria: Invitae Variant Classification Sherloc (09022015). Collection method: clinical testing. Allele origin: germline.
Comment: This sequence change replaces glutamine, which is neutral and polar, with arginine, which is basic and polar, at codon 377 of the RECQL4 protein (p.Gln377Arg). This variant is present in population databases (no rsID available, gnomAD 0.006%). This variant has not been reported in the literature in individuals affected with RECQL4-related conditions. ClinVar contains an entry for this variant (Variation ID: 1327074). Experimental studies and prediction algorithms are not available or were not evaluated, and the functional significance of this variant is currently unknown. In summary, the available evidence is currently insufficient to determine the role of this variant in disease. Therefore, it has been classified as a Variant of Uncertain Significance.

Baylor Genetics
Classification: Uncertain significance for Rothmund-Thomson syndrome type 2. Last evaluated: 2021-10-08. Review status: criteria provided, single submitter. Criteria: ACMG Guidelines, 2015. Collection method: clinical testing. Allele origin: unknown. Affected: yes. Study: CSER-TexasKidsCanSeq.
Comment: This variant was determined to be of uncertain significance according to ACMG Guidelines, 2015 [PMID:25741868].

Blueprint Genetics
Classification: Uncertain significance. Last evaluated: 2021-08-09. Review status: criteria provided, single submitter. Criteria: ACMG Guidelines, 2015. Collection method: clinical testing. Allele origin: germline.

Genetic Services Laboratory, University of Chicago
Classification: Uncertain significance. Last evaluated: 2021-03-24. Review status: criteria provided, single submitter. Criteria: ACMG Guidelines, 2015. Collection method: clinical testing. Allele origin: germline. Affected: no.
Comment: DNA sequence analysis of the RECQL4 gene demonstrated a sequence change, c.1130A>G, in exon 5 that results in an amino acid change, p.Gln377Arg. This sequence change has been described in gnomAD with a low frequency of 0.0056% (dbSNP rs944826681) in the East Asian sub-population. The p.Gln377Arg change affects a highly conserved amino acid residue located in a domain of the RECQL4 protein that is not known to be functional. The p.Gln377Arg substitution appears to be deleterious using several in-silico pathogenicity prediction tools (SIFT, PolyPhen2, Align GVGD). This sequence change does not appear to have been previously described in patients with RECQL4-related disorders. Due to the lack of sufficient evidences, the clinical significance of the p.Gln377Arg change remains unknown at this time.